The following is an entry in ClinVar:

ClinVar aggregate classification (germline): Uncertain significance. Review status: criteria provided, multiple submitters, no conflicts (2 of 4 stars). 2 submissions from 2 submitters: Uncertain significance (2). Last evaluated 2025-12-15.

Conditions:
Nephronophthisis. Also called: Juvenile Nephronophthisis. Identifiers: Orphanet 655, MedGen C0687120, MONDO:0019005, HP:0000090.
Meckel-Gruber syndrome. Also called: DYSENCEPHALIA SPLANCHNOCYSTICA; GRUBER SYNDROME; Dysencephalia splachnocystica. Identifiers: Orphanet 564, MedGen C0265215, MONDO:0018921.
Joubert syndrome. Also called: JOUBERT-BOLTSHAUSER SYNDROME; Familial aplasia of the vermis. Identifiers: Orphanet 475, MedGen C5979921, MONDO:0018772.
Inborn genetic diseases. Identifiers: MedGen C0950123, MeSH D030342.

Allele frequency attached by ClinVar (database versions not stated): TOPMed below 0.00001; gnomAD exomes 0.00001.
gnomAD v4.1: 20 of 1,591,074 alleles (0.0013%); highest among the groups gnomAD compares: Non-Finnish European, 0.0016%; no homozygotes.

Submissions (2):

Ambry Genetics
Classification: Uncertain significance for Inborn genetic diseases. Last evaluated: 2025-12-15. Review status: criteria provided, single submitter. Criteria: Ambry Variant Classification Scheme 2023. Collection method: clinical testing. Allele origin: germline.

Labcorp Genetics (formerly Invitae), Labcorp
Classification: Uncertain significance for Joubert syndrome; Meckel-Gruber syndrome; Nephronophthisis. Last evaluated: 2024-10-28. Review status: criteria provided, single submitter. Criteria: Invitae Variant Classification Sherloc (09022015). Collection method: clinical testing. Allele origin: germline.
Comment: This sequence change replaces arginine, which is basic and polar, with glycine, which is neutral and non-polar, at codon 2023 of the CEP290 protein (p.Arg2023Gly). This variant is present in population databases (rs764861728, gnomAD 0.0009%). This variant has not been reported in the literature in individuals affected with CEP290-related conditions. ClinVar contains an entry for this variant (Variation ID: 1920217). Invitae Evidence Modeling of protein sequence and biophysical properties (such as structural, functional, and spatial information, amino acid conservation, physicochemical variation, residue mobility, and thermodynamic stability) indicates that this missense variant is expected to disrupt CEP290 protein function with a positive predictive value of 80%. In summary, the available evidence is currently insufficient to determine the role of this variant in disease. Therefore, it has been classified as a Variant of Uncertain Significance.

NM_025114.4(CEP290):c.6067A>G (p.Arg2023Gly)

Gene: CEP290 (centrosomal protein 290; minus strand). Cytogenetic location: 12q21.32.
Variant type: single nucleotide variant.
Coding change: c.6067A>G on transcript NM_025114.4 (MANE Select); coding-DNA position 6067, A replaced by G.
Protein change: p.Arg2023Gly; replaces arginine 2023 with glycine.
Molecular consequence: missense variant.
Genome position (GRCh38, 1-based): chr12:88,068,590, T>C on the plus strand (A>G on the coding strand, the complement: CEP290 is on the minus strand). VCF-style: chr12-88068590-T-C. GRCh37 (hg19) VCF-style: chr12-88462367-T-C.
Other names: c.6067A>G (NM_025114.3); short protein forms R2023G.
Identifiers: ClinVar variation 1920217 (VCV001920217.6), dbSNP rs764861728, ClinGen allele CA241149774.